The following is an entry in ClinVar:

ClinVar aggregate classification (germline): Uncertain significance. Review status: criteria provided, multiple submitters, no conflicts (2 of 4 stars). 4 submissions from 4 submitters: Uncertain significance (4). Last evaluated 2025-11-18.

Conditions:
Hereditary cancer-predisposing syndrome. Also called: Neoplastic Syndromes, Hereditary; Tumor predisposition; Hereditary neoplastic syndrome; Hereditary Cancer Syndrome. Identifiers: Orphanet 140162, MedGen C0027672, MeSH D009386, MONDO:0015356.
Lynch syndrome. Identifiers: Orphanet 144, MedGen C4552100, MONDO:0005835. Disease mechanism: loss of function.

Allele frequency attached by ClinVar (database versions not stated): ExAC 0.00001; gnomAD exomes 0.00001.
gnomAD v4.1: 3 of 1,612,400 alleles (0.00019%); highest among the groups gnomAD compares: Non-Finnish European, 0.00025%; no homozygotes.

Submissions (4):

Ambry Genetics
Classification: Uncertain significance for Hereditary cancer-predisposing syndrome. Last evaluated: 2025-11-18. Review status: criteria provided, single submitter. Criteria: Ambry Variant Classification Scheme 2023. Collection method: clinical testing. Allele origin: germline.
Comment: The p.S358T variant (also known as c.1072T>A), located in coding exon 10 of the PMS2 gene, results from a T to A substitution at nucleotide position 1072. The serine at codon 358 is replaced by threonine, an amino acid with similar properties. This amino acid position is highly conserved in available vertebrate species. In addition, the in silico prediction for this alteration is inconclusive. Based on the available evidence, the clinical significance of this variant remains unclear.

All of Us Research Program, National Institutes of Health
Classification: Uncertain significance for Lynch syndrome. Last evaluated: 2023-03-09. Review status: criteria provided, single submitter. Criteria: ACMG Guidelines, 2015. Collection method: clinical testing. Allele origin: germline. Inheritance: Autosomal dominant inheritance. Observed: 1 variant allele, 1 heterozygote.
Comment: This missense variant replaces serine with threonine at codon 358 of the PMS2 protein. Computational prediction is inconclusive regarding the impact of this variant on protein structure and function (internally defined REVEL score threshold 0.5 < inconclusive < 0.7, PMID: 27666373). To our knowledge, functional studies have not been reported for this variant. This variant has not been reported in individuals affected with PMS2-related disorders in the literature. This variant has been identified in 1/251178 chromosomes in the general population by the Genome Aggregation Database (gnomAD). The available evidence is insufficient to determine the role of this variant in disease conclusively. Therefore, this variant is classified as a Variant of Uncertain Significance.

This study involves interpretation of variants in research participants for the purpose of population health screening. Participant phenotype was not available at the time of variant classification. Additional details can be found in publication PMID: 35346344, PMCID: PMC8962531

Color Diagnostics, LLC DBA Color Health
Classification: Uncertain significance for Hereditary cancer-predisposing syndrome. Last evaluated: 2022-12-05. Review status: criteria provided, single submitter. Criteria: ACMG Guidelines, 2015. Collection method: clinical testing. Allele origin: germline.
Comment: This missense variant replaces serine with threonine at codon 358 of the PMS2 protein. Computational prediction is inconclusive regarding the impact of this variant on protein structure and function (internally defined REVEL score threshold 0.5 < inconclusive < 0.7, PMID: 27666373). To our knowledge, functional studies have not been reported for this variant. This variant has not been reported in individuals affected with PMS2-related disorders in the literature. This variant has been identified in 1/251178 chromosomes in the general population by the Genome Aggregation Database (gnomAD). The available evidence is insufficient to determine the role of this variant in disease conclusively. Therefore, this variant is classified as a Variant of Uncertain Significance.

Institute for Clinical Genetics, University Hospital TU Dresden, University Hospital TU Dresden
Classification: Uncertain significance. Last evaluated: 2021-11-03. Review status: criteria provided, single submitter. Criteria: ACMG Guidelines, 2015. Collection method: clinical testing. Allele origin: germline.

NM_000535.7(PMS2):c.1072T>A (p.Ser358Thr)

Gene: PMS2 (PMS1 homolog 2, mismatch repair system component; minus strand). Cytogenetic location: 7p22.1.
Variant type: single nucleotide variant.
Coding change: c.1072T>A on transcript NM_000535.7 (MANE Select); coding-DNA position 1072, T replaced by A.
Protein change: p.Ser358Thr; replaces serine 358 with threonine.
Molecular consequence: missense variant. On other transcripts: non-coding transcript variant (1), intron variant (2).
Genome position (GRCh38, 1-based): chr7:5,989,872, A>T on the plus strand (T>A on the coding strand, the complement: PMS2 is on the minus strand). VCF-style: chr7-5989872-A-T. GRCh37 (hg19) VCF-style: chr7-6029503-A-T.
Other names: c.667T>A, p.Ser223Thr (NM_001322003.2, NM_001322004.2, NM_001322005.2 and 1 more transcripts); c.754T>A, p.Ser252Thr (NM_001322007.2, NM_001322008.2); c.139T>A, p.Ser47Thr (NM_001322011.2, NM_001322012.2); c.499T>A, p.Ser167Thr (NM_001322013.2); c.1072T>A, p.Ser358Thr (NM_001322014.2); c.763T>A, p.Ser255Thr (NM_001322015.2); c.583+2101T>A (NM_001322010.2); c.988+2101T>A (NM_001322006.2); short protein forms S358T, S255T, S167T, S223T, S252T, S47T.
Identifiers: ClinVar variation 630208 (VCV000630208.11), dbSNP rs767755376, ClinGen allele CA041828.
Genomic context (GRCh38, chr7:5,989,872, plus strand): 5'-GCAGTGGCTGCTGACTGACATTTAGCTTGTTGACATCACTATCAAACATTCCTATCAAAG[A>T]GGTCTTTAAAACTGCCAACAAAAGCTTTTCCTCTTGTAGCAAAATTTGCCTTTTATCTGG-3'
Protein context (NP_000526.2, residues 348-368): EKLLLAVLKT[Ser358Thr]LIGMFDSDVN